The following is an entry in ClinVar:

NM_001379286.1(ZNF423):c.3005A>G (p.Lys1002Arg)

Gene: ZNF423 (zinc finger protein 423; minus strand). Cytogenetic location: 16q12.1.
Variant type: single nucleotide variant.
Coding change: c.3005A>G on transcript NM_001379286.1 (MANE Select); coding-DNA position 3005, A replaced by G.
Protein change: p.Lys1002Arg; replaces lysine 1002 with arginine.
Molecular consequence: missense variant.
Genome position (GRCh38, 1-based): chr16:49,636,171, T>C on the plus strand (A>G on the coding strand, the complement: ZNF423 is on the minus strand). VCF-style: chr16-49636171-T-C. GRCh37 (hg19) VCF-style: chr16-49670082-T-C.
Other names: c.2801A>G, p.Lys934Arg (NM_001271620.2); c.2630A>G, p.Lys877Arg (NM_001330533.2); c.2981A>G, p.Lys994Arg (NM_015069.5); short protein forms K1002R, K934R, K877R, K994R.
Identifiers: ClinVar variation 2807767 (VCV002807767.3), dbSNP rs2506979014, ClinGen allele CA395840908.
Genomic context (GRCh38, chr16:49,636,171, plus strand): 5'-CGCAGGTCAGGGTGCATCTGGCAGTGCTCAATAAACTCCTCCTCGCTCTGCAGGGGCATC[T>C]TGCAGATGCGACAGGTGCCCGTGTCCAGGCTCTTGCTGTGGGTCACCTTGTGTTCGGTGA-3'
Protein context (NP_001366215.1, residues 992-1012): SLDTGTCRIC[Lys1002Arg]MPLQSEEEFI

ClinVar aggregate classification (germline): Uncertain significance (1 of 4 stars; one submission).

Conditions:
Nephronophthisis 14 (NPHP14). Identifiers: Orphanet 2318, MedGen C3539071, MONDO:0013916, OMIM 614844.

gnomAD v4.1: 3 of 1,613,680 alleles (0.00019%); highest among the groups gnomAD compares: Non-Finnish European, 0.00025%; no homozygotes.

Submission:

Labcorp Genetics (formerly Invitae), Labcorp
Classification: Uncertain significance for Nephronophthisis 14. Last evaluated: 2025-09-02. Review status: criteria provided, single submitter. Criteria: Invitae Variant Classification Sherloc (09022015). Collection method: clinical testing. Allele origin: germline.
Comment: This sequence change replaces lysine, which is basic and polar, with arginine, which is basic and polar, at codon 994 of the ZNF423 protein (p.Lys994Arg). This variant is not present in population databases (gnomAD no frequency). This variant has not been reported in the literature in individuals affected with ZNF423-related conditions. ClinVar contains an entry for this variant (Variation ID: 2807767). Invitae Evidence Modeling of protein sequence and biophysical properties (such as structural, functional, and spatial information, amino acid conservation, physicochemical variation, residue mobility, and thermodynamic stability) indicates that this missense variant is not expected to disrupt ZNF423 protein function with a negative predictive value of 80%. In summary, the available evidence is currently insufficient to determine the role of this variant in disease. Therefore, it has been classified as a Variant of Uncertain Significance.